The following is an entry in ClinVar:

NM_004985.5(KRAS):c.451-5651AG[2]

Gene: KRAS (KRas proto-oncogene, GTPase; minus strand). Cytogenetic location: 12p12.1.
Variant type: Microsatellite.
Coding change: c.451-5651AG[2] on transcript NM_004985.5 (MANE Select); two copies in a row of the 2-base unit AG starting at c.451-5651; the reference has three copies in a row; one copy, 2 bases deleted.
Molecular consequence: intron variant.
Genome position (GRCh38, 1-based): chr12:25,215,557-25,215,558, CT deleted on the plus strand (AG on the coding strand, the reverse complement: KRAS is on the minus strand); deleting any 2 consecutive bases within chr12:25,215,557-25,215,562 gives the same sequence; the position shown is the placement nearest the transcript's 3' end. VCF-style (leftmost placement, unchanged base first): chr12-25215556-ACT-A. GRCh37 (hg19) VCF-style: chr12-25368490-ACT-A.
Other names: c.451-5651AG[2] (NM_001369787.1).
Identifiers: ClinVar variation 4998015 (VCV004998015.1).

ClinVar aggregate classification (germline): Uncertain significance (1 of 4 stars; one submission).

Conditions:
KRAS-related disorder. Also called: KRAS-related disorders; KRAS-related condition.

Submission:

PreventionGenetics, part of Exact Sciences
Classification: Uncertain significance for KRAS-related condition. Last evaluated: 2025-05-08. Review status: criteria provided, single submitter. Criteria: ACMG Guidelines, 2015. Collection method: clinical testing. Allele origin: germline.
Comment: The KRAS c.453_454delAG variant is predicted to result in a frameshift and premature protein termination (p.Arg151Serfs*33). This variant is found within an intronic region of the primary transcript (NM_004985:c.451-5647_451-5646delAG). To our knowledge, this variant has not been reported in the literature or in a large population database (gnomAD), indicating this variant is rare. Gain-of-function instead of loss-of-function is the established mechanism for KRAS pathogenic variants. At this time, the clinical significance of this variant is uncertain due to the absence of conclusive functional and genetic evidence.